The following is an entry in ClinVar:

ClinVar aggregate classification (germline): Benign/Likely benign. Review status: criteria provided, multiple submitters, no conflicts (2 of 4 stars). 3 submissions from 3 submitters: Benign (1); Likely benign (2). Last evaluated 2026-09-29.

Conditions:
Neurofibromatosis, type 1 (NF1). Also called: VON RECKLINGHAUSEN DISEASE; NEUROFIBROMATOSIS, TYPE I, SOMATIC; Peripheral type neurofibromatosis; Neurofibromatosis, type I. Identifiers: Orphanet 636, MedGen C0027831, MONDO:0018975, OMIM 162200. Disease mechanism: loss of function.
Cardiovascular phenotype. Identifiers: MedGen CN230736.
Hereditary cancer-predisposing syndrome. Also called: Neoplastic Syndromes, Hereditary; Tumor predisposition; Hereditary neoplastic syndrome; Hereditary Cancer Syndrome. Identifiers: Orphanet 140162, MedGen C0027672, MeSH D009386, MONDO:0015356.

Submissions (3):

Myriad Genetics, Inc.
Classification: Benign for Neurofibromatosis, type 1. Last evaluated: 2026-09-29. Review status: criteria provided, single submitter. Criteria: Myriad Autosomal Dominant, Autosomal Recessive and X-Linked Classification Criteria (2023). Collection method: clinical testing. Allele origin: unknown.
Comment: This variant is considered benign. This variant is a silent/synonymous amino acid change and it is not expected to impact splicing.

Ambry Genetics
Classification: Likely benign for Cardiovascular phenotype; Hereditary cancer-predisposing syndrome. Last evaluated: 2025-03-05. Review status: criteria provided, single submitter. Criteria: Ambry Variant Classification Scheme 2023. Collection method: clinical testing. Allele origin: germline.

Labcorp Genetics (formerly Invitae), Labcorp
Classification: Likely benign for Neurofibromatosis, type 1. Last evaluated: 2024-12-30. Review status: criteria provided, single submitter. Criteria: Invitae Variant Classification Sherloc (09022015). Collection method: clinical testing. Allele origin: germline.

NM_001042492.3(NF1):c.5829C>T (p.His1943=)

Gene: NF1 (neurofibromin 1; plus strand). Cytogenetic location: 17q11.2.
Variant type: single nucleotide variant.
Coding change: c.5829C>T on transcript NM_001042492.3 (MANE Select); coding-DNA position 5829, C replaced by T.
Protein change: p.His1943=; no amino-acid change (histidine 1943 retained).
Molecular consequence: synonymous variant.
Genome position (GRCh38, 1-based): chr17:31,334,854, C>T. VCF-style: chr17-31334854-C-T. GRCh37 (hg19) VCF-style: chr17-29661872-C-T.
Other names: c.5766C>T, p.His1922= (NM_000267.4).
Identifiers: ClinVar variation 3728246 (VCV003728246.4).